The following is an entry in ClinVar:

NM_004115.4(FGF14):c.468C>T (p.Ile156=)

Gene: FGF14 (fibroblast growth factor 14; minus strand). Cytogenetic location: 13q33.1.
Variant type: single nucleotide variant.
Coding change: c.468C>T on transcript NM_004115.4 (MANE Select); coding-DNA position 468, C replaced by T.
Protein change: p.Ile156=; no amino-acid change (isoleucine 156 retained).
Molecular consequence: synonymous variant.
Genome position (GRCh38, 1-based): chr13:101,726,751, G>A on the plus strand (C>T on the coding strand, the complement: FGF14 is on the minus strand). VCF-style: chr13-101726751-G-A. GRCh37 (hg19) VCF-style: chr13-102379101-G-A.
Other names: c.216C>T, p.Ile72= (NM_001321931.1, NM_001321934.1, NM_001321935.1 and 4 more transcripts); c.279C>T, p.Ile93= (NM_001321932.1, NM_001321936.1, NM_001321944.1); c.288C>T, p.Ile96= (NM_001321933.1, NM_001321938.2, NM_001321940.1); c.372C>T, p.Ile124= (NM_001321939.2); c.282C>T, p.Ile94= (NM_001321941.2); c.366C>T, p.Ile122= (NM_001321945.2, NM_001321948.2, NM_001379342.1); c.327C>T, p.Ile109= (NM_001321947.2); c.483C>T, p.Ile161= (NM_175929.3); and 1 more.
Identifiers: ClinVar variation 790870 (VCV000790870.14), dbSNP rs558694053, ClinGen allele CA7037152.

ClinVar aggregate classification (germline): Benign/Likely benign. Review status: criteria provided, multiple submitters, no conflicts (2 of 4 stars). 4 submissions from 4 submitters: Benign (3); Likely benign (1). Last evaluated 2026-09-01.

Conditions:
Spinocerebellar ataxia type 27 (SCA27). Identifiers: Orphanet 98764, MedGen C1836383, MONDO:0012247.

Allele frequency attached by ClinVar (database versions not stated): gnomAD below 0.00001 and 0.00017; TOPMed 0.00003; gnomAD exomes 0.00023 and 0.00067; ExAC 0.00074; 1000 Genomes Project 30x 0.00141; 1000 Genomes Project 0.00180.
gnomAD v4.1: 390 of 1,612,874 alleles (0.024%); highest among the groups gnomAD compares: South Asian, 0.37%; 9 homozygotes.

Submissions (4):

CeGaT Center for Human Genetics Tuebingen
Classification: Likely benign. Last evaluated: 2026-09-01. Review status: criteria provided, single submitter. Criteria: CeGaT Center For Human Genetics Tuebingen Variant Classification Criteria Version 2. Collection method: clinical testing. Allele origin: germline. Affected: yes. Observed: 1 variant allele.
Comment: FGF14: BP4, BS1

Athena Diagnostics
Classification: Benign. Last evaluated: 2025-01-22. Review status: criteria provided, single submitter. Criteria: Athena Diagnostics Criteria. Collection method: clinical testing. Allele origin: unknown.
Comment: The frequency of this variant in the general population is higher than would generally be expected for pathogenic variants in this gene.

Labcorp Genetics (formerly Invitae), Labcorp
Classification: Benign. Last evaluated: 2022-05-12. Review status: criteria provided, single submitter. Criteria: Invitae Variant Classification Sherloc (09022015). Collection method: clinical testing. Allele origin: germline.

Illumina Laboratory Services, Illumina
Classification: Benign for Spinocerebellar ataxia 27A. Last evaluated: 2018-01-13. Review status: criteria provided, single submitter. Criteria: ICSL Variant Classification Criteria 13 December 2019. Collection method: clinical testing. Allele origin: germline.
Comment: This variant was observed in the ICSL laboratory as part of a predisposition screen in an ostensibly healthy population. It had not been previously curated by ICSL or reported in the Human Gene Mutation Database (HGMD: prior to June 1st, 2018), and was therefore a candidate for classification through an automated scoring system. Utilizing variant allele frequency, disease prevalence and penetrance estimates, and inheritance mode, an automated score was calculated to assess if this variant is too frequent to cause the disease. Based on the score and internal cut-off values, a variant classified as benign is not then subjected to further curation. The score for this variant resulted in a classification of benign for this disease.